The following is an entry in ClinVar:

NM_001368894.2(PAX6):c.609dup (p.Ile204fs)

Gene: PAX6 (paired box 6; minus strand). Cytogenetic location: 11p13.
Variant type: Duplication.
Coding change: c.609dup on transcript NM_001368894.2 (MANE Select); coding-DNA position 609, one base duplicated (C; older notation c.609dupC).
Protein change: p.Ile204fs; shifts the reading frame from isoleucine 204.
Molecular consequence: frameshift variant. On other transcripts: 5 prime UTR variant (1), non-coding transcript variant (2).
Genome position (GRCh38, 1-based): chr11:31,794,745, G duplicated on the plus strand (C on the coding strand, the reverse complement: PAX6 is on the minus strand); the first of 2 consecutive G bases (chr11:31,794,745-31,794,746); duplicating either gives the same sequence. VCF-style (leftmost placement, unchanged base first): chr11-31794744-T-TG. GRCh37 (hg19) VCF-style: chr11-31816292-T-TG.
Other names: c.567dup, p.Ile190fs (NM_000280.6, NM_001127612.3, NM_001258464.2 and 10 more transcripts); c.609dup, p.Ile204fs (NM_001258462.3, NM_001258463.2, NM_001310158.2 and 6 more transcripts); c.159dup, p.Ile54fs (NM_001310160.2, NM_001310161.3, NM_001368899.2 and 11 more transcripts); c.810dup, p.Ile271fs (NM_001368910.2); c.612dup, p.Ile205fs (NM_001368911.2); c.684dup, p.Ile229fs (NM_001368918.2, NM_001368919.2); c.642dup, p.Ile215fs (NM_001368920.2); c.408dup, p.Ile137fs (NM_001368921.2, NM_001368922.2, NM_001368923.2 and 4 more transcripts); and 2 more; short protein forms I123fs, I205fs, I137fs, I215fs, I271fs, I54fs, I190fs, I204fs.
Identifiers: ClinVar variation 817299 (VCV000817299.2), dbSNP rs773606401, ClinGen allele CA915948051.

ClinVar aggregate classification (germline): Pathogenic (1 of 4 stars; one submission).

Submission:

GeneDx
Classification: Pathogenic. Last evaluated: 2018-10-19. Review status: criteria provided, single submitter. Criteria: GeneDx Variant Classification (06012015). Collection method: clinical testing. Allele origin: germline. Affected: yes.
Comment: The duplication causes a frameshift starting with codon Isoleucine 190, changes this amino acid to a Histidine residue and creates a premature Stop codon at position 10 of the new reading frame, denoted p.Ile190HisfsX10. This pathogenic variant is predicted to cause loss of normal protein function either through protein truncation or nonsense-mediated mRNA decay. The c.567dupC variant is not observed in large population cohorts (Lek et al., 2016). In summary, we consider this variant to be pathogenic.